The following is an entry in ClinVar:

ClinVar aggregate classification (germline): Pathogenic. Review status: reviewed by expert panel (3 of 4 stars). 6 submissions from 6 submitters: Pathogenic (1). 5 of the submissions do not count toward it. Last evaluated 2016-09-08.

Conditions:
Hereditary cancer-predisposing syndrome. Also called: Tumor predisposition; Hereditary neoplastic syndrome; Hereditary Cancer Syndrome; Neoplastic Syndromes, Hereditary. Identifiers: Orphanet 140162, MedGen C0027672, MeSH D009386, MONDO:0015356.
Hereditary breast ovarian cancer syndrome. Also called: Hereditary breast and/or ovarian cancer syndrome; Breast and ovarian cancer; Hereditary breast and ovarian cancer syndrome; Hereditary breast and ovarian cancer; Hereditary breast and ovarian cancer syndrome (HBOC); BRCA1- and BRCA2-Associated Hereditary Breast and Ovarian Cancer. Identifiers: Orphanet 145, MedGen C0677776, MeSH D061325, MONDO:0003582. Disease mechanism: loss of function.
Breast-ovarian cancer, familial, susceptibility to, 1 (BROVCA1). Also called: BRCA1 Hereditary Breast and Ovarian Cancer; OVARIAN CANCER, SUSCEPTIBILITY TO. Identifiers: Orphanet 145, MedGen C2676676, MONDO:0011450, OMIM 604370. Disease mechanism: loss of function.

Submissions (6):

Evidence-based Network for the Interpretation of Germline Mutant Alleles (ENIGMA)
Classification: Pathogenic for Breast-ovarian cancer, familial, susceptibility to, 1. Last evaluated: 2016-09-08. Review status: reviewed by expert panel. Criteria: ENIGMA BRCA1/2 Classification Criteria (2015). Collection method: curation. Allele origin: germline.
Comment: Variant allele predicted to encode a truncated non-functional protein.

Labcorp Genetics (formerly Invitae), Labcorp
Classification: Pathogenic for Hereditary breast ovarian cancer syndrome. Last evaluated: 2025-03-19. Review status: criteria provided, single submitter. Criteria: Invitae Variant Classification Sherloc (09022015). Collection method: clinical testing. Allele origin: germline. Not counted in ClinVar's aggregate classification.
Comment: This sequence change creates a premature translational stop signal (p.Pro1771Leufs*58) in the BRCA1 gene. While this is not anticipated to result in nonsense mediated decay, it is expected to disrupt the last 93 amino acid(s) of the BRCA1 protein. This variant is not present in population databases (gnomAD no frequency). This variant has not been reported in the literature in individuals affected with BRCA1-related conditions. ClinVar contains an entry for this variant (Variation ID: 141536). This variant disrupts the C-terminal end of the BRCA1 protein partially including the BRCT domain (residues 1646-1859), which is important for DNA repair activity (PMID: 11573086, 14576433, 15133503, 25652403). While functional studies have not been performed to directly test the effect on BRCA1 protein function, this suggests that disruption of the C-terminal portion of the protein is functionally important. This variant disrupts a region of the BRCA1 protein in which other variant(s) (p.Tyr1853*) have been determined to be pathogenic (PMID: 7894493, 10811118, 11739404, 12400015, 21922593). This suggests that this is a clinically significant region of the protein, and that variants that disrupt it are likely to be disease-causing. For these reasons, this variant has been classified as Pathogenic.

Ambry Genetics
Classification: Pathogenic for Hereditary cancer-predisposing syndrome. Last evaluated: 2024-05-10. Review status: criteria provided, single submitter. Criteria: Ambry Variant Classification Scheme 2023. Collection method: clinical testing. Allele origin: germline. Not counted in ClinVar's aggregate classification.
Comment: The c.5310_5311delGC pathogenic mutation, located in coding exon 19 of the BRCA1 gene, results from a deletion of two nucleotides at nucleotide positions 5310 to 5311, causing a translational frameshift with a predicted alternate stop codon (p.P1771Lfs*58). This variant is considered to be rare based on population cohorts in the Genome Aggregation Database (gnomAD). This alteration occurs at the 3' terminus of theBRCA1 gene, is not expected to trigger nonsense-mediated mRNA decay, and only impacts the last 5% of the protein. However, premature stop codons are typically deleterious in nature and the impacted region is critical for protein function (Ambry internal data). As such, this alteration is interpreted as a disease-causing mutation.

Women's Health and Genetics/Laboratory Corporation of America, LabCorp
Classification: Pathogenic for Hereditary breast ovarian cancer syndrome. Last evaluated: 2022-03-28. Review status: criteria provided, single submitter. Criteria: LabCorp Variant Classification Summary - May 2015. Collection method: clinical testing. Allele origin: germline. Not counted in ClinVar's aggregate classification.
Comment: Variant summary: BRCA1 c.5310_5311delGC (p.Pro1771LeufsX58) results in a premature termination codon, predicted to cause a truncation of the encoded protein or absence of the protein due to nonsense mediated decay, which are commonly known mechanisms for disease. Truncations downstream of this position have been classified as pathogenic by our laboratory. The variant was absent in 251340 control chromosomes (gnomAD). To our knowledge, no experimental evidence demonstrating an impact on protein function has been reported. Two submitters including an expert panel (ENIGMA) have submitted clinical-significance assessments for this variant to ClinVar after 2014 and classified the variant as pathogenic. Based on the evidence outlined above, the variant was classified as pathogenic.

Sema4
Classification: Likely pathogenic for Hereditary cancer-predisposing syndrome. Last evaluated: 2021-09-17. Review status: criteria provided, single submitter. Criteria: Sema4 Curation Guidelines. Collection method: curation. Allele origin: germline. Not counted in ClinVar's aggregate classification.
Comment: To the best of our knowledge, the BRCA1 c.5310_5311delGC (p.P1771LfsX58) variant has not been reported in individuals with BRCA1-related disease. This variant causes a frameshift at amino acid 1771 that results in premature termination 58 amino acids downstream. This variant is predicted to cause a truncation of the encoded protein or loss of the protein due to nonsense mediated decay, which are commonly known mechanisms for disease. Truncations downstream of this position have been classified as pathogenic by our laboratory. This variant is not reported in the population database Genome Aggregation Database (PMID: 32461654). This variant has been reported in ClinVar (Variation ID: 141536). Based on the current evidence available, this variant is interpreted as likely pathogenic.

Baylor Genetics
Classification: Likely pathogenic for Breast-ovarian cancer, familial, susceptibility to, 1. Last evaluated: 2021-01-08. Review status: criteria provided, single submitter. Criteria: ACMG Guidelines, 2015. Collection method: clinical testing. Allele origin: unknown. Not counted in ClinVar's aggregate classification.

Literature cited by the submitters: PubMed 11573086 (cited by Labcorp Genetics (formerly Invitae), Labcorp); PubMed 14576433 (cited by Labcorp Genetics (formerly Invitae), Labcorp); PubMed 15133503 (cited by Labcorp Genetics (formerly Invitae), Labcorp); PubMed 25652403 (cited by Labcorp Genetics (formerly Invitae), Labcorp); PubMed 7894493 (cited by Labcorp Genetics (formerly Invitae), Labcorp); PubMed 10811118 (cited by Labcorp Genetics (formerly Invitae), Labcorp); PubMed 11739404 (cited by Labcorp Genetics (formerly Invitae), Labcorp); PubMed 12400015 (cited by Labcorp Genetics (formerly Invitae), Labcorp); PubMed 21922593 (cited by Labcorp Genetics (formerly Invitae), Labcorp); PubMed 28152038 (cited by Women's Health and Genetics/Laboratory Corporation of America, LabCorp).

NM_007294.4(BRCA1):c.5310_5311del (p.Pro1771fs)

Gene: BRCA1 (BRCA1 DNA repair associated; minus strand). Cytogenetic location: 17q21.31.
Variant type: Deletion.
Coding change: c.5310_5311del on transcript NM_007294.4 (MANE Select); coding-DNA positions 5310 to 5311, 2 bases deleted (GC; older notation c.5310_5311delGC).
Protein change: p.Pro1771fs; shifts the reading frame from proline 1771.
Molecular consequence: frameshift variant. On other transcripts: non-coding transcript variant (1).
Genome position (GRCh38, 1-based): chr17:43,051,084-43,051,085, GC deleted on the plus strand (GC on the coding strand, the reverse complement: BRCA1 is on the minus strand). VCF-style (leftmost placement, unchanged base first): chr17-43051083-GGC-G. GRCh37 (hg19) VCF-style: chr17-41203100-GGC-G.
Other names: c.1998_1999del, p.Pro667fs (NM_007299.4); c.5373_5374del, p.Pro1792fs (NM_007300.4); c.1998_1999delGC, p.Pro667Leufs (NM_007304.2, NM_001407979.1, NM_001407980.1 and 12 more transcripts); c.5097_5098delGC, p.Pro1700Leufs (NM_001407571.1, NM_001407894.1, NM_001407895.1 and 12 more transcripts); c.5376_5377delGC, p.Pro1793Leufs (NM_001407581.1, NM_001407582.1); c.5373_5374delGC, p.Pro1792Leufs (NM_001407583.1, NM_001407585.1, NM_001407587.1); c.5370_5371delGC, p.Pro1791Leufs (NM_001407590.1, NM_001407591.1); c.5310_5311delGC, p.Pro1771Leufs (NM_001407593.1, NM_001407594.1, NM_001407596.1 and 6 more transcripts); and 75 more; short protein forms P1771fs, P667fs, P1724fs, P1792fs.
Identifiers: ClinVar variation 141536 (VCV000141536.14), dbSNP rs587781825, ClinGen allele CA003463.